The following is an entry in ClinVar:

NM_001271.4(CHD2):c.-84C>T

Gene: CHD2 (chromodomain helicase DNA binding protein 2; plus strand). Cytogenetic location: 15q26.1.
Variant type: single nucleotide variant.
Coding change: c.-84C>T on transcript NM_001271.4 (MANE Select); 84 bases upstream of the start codon, C replaced by T.
Molecular consequence: 5 prime UTR variant.
Genome position (GRCh38, 1-based): chr15:92,900,812, C>T. VCF-style: chr15-92900812-C-T. GRCh37 (hg19) VCF-style: chr15-93444042-C-T.
Other names: c.-84C>T (NM_001042572.3).
Identifiers: ClinVar variation 508686 (VCV000508686.1), dbSNP rs887318768, ClinGen allele CA658798435.

ClinVar aggregate classification (germline): Likely benign (1 of 4 stars; one submission).

Submission:

GeneDx
Classification: Likely benign. Last evaluated: 2017-04-04. Review status: criteria provided, single submitter. Criteria: GeneDx Variant Classification (06012015). Collection method: clinical testing. Allele origin: germline. Affected: yes.
Comment: This variant is considered likely benign or benign based on one or more of the following criteria: it is a conservative change, it occurs at a poorly conserved position in the protein, it is predicted to be benign by multiple in silico algorithms, and/or has population frequency not consistent with disease.